The following is an entry in ClinVar:

ClinVar aggregate classification (germline): Pathogenic (1 of 4 stars; one submission).

Submission:

Seattle Children's Hospital Molecular Genetics Laboratory, Seattle Children's Hospital
Classification: Pathogenic. Last evaluated: 2022-02-10. Review status: criteria provided, single submitter. Criteria: ACMG Guidelines, 2015. Collection method: clinical testing. Allele origin: somatic. Affected: yes. Observed: 3 variant alleles. Clinical features observed: Global developmental delay (HP:0001263), Coarctation of aorta (HP:0001680), Capillary malformation (HP:0025104), Venous malformation (HP:0012721), Vascular skin abnormality (HP:0011276).
Comment: Alteration of p.Gln209 in GNAQ is a recurrent oncogenic hotspot reported in the cBioPortal and NCI Genomic Data Commons cancer databases. This variant is absent from large population studies as a germline finding (Genome Aggregation Database v2.1.1). To our knowledge, this variant has not been reported in association with capillary malformations (CM) before, but somatic mutations altering amino acid residue p.Gln209 have been described in congenital hemangioma (PMID: 27058448). Somatic mutations altering amino acid residue p.Arg183 are known to cause capillary malformations (PMID: 30870248, PMID: 26368330, PMID: 29174369).

NM_002067.5(GNA11):c.626A>G (p.Gln209Arg)

Gene: GNA11 (G protein subunit alpha 11; plus strand). Cytogenetic location: 19p13.3.
Variant type: single nucleotide variant.
Coding change: c.626A>G on transcript NM_002067.5 (MANE Select); coding-DNA position 626, A replaced by G.
Protein change: p.Gln209Arg; replaces glutamine 209 with arginine.
Molecular consequence: missense variant.
Genome position (GRCh38, 1-based): chr19:3,118,944, A>G. VCF-style: chr19-3118944-A-G. GRCh37 (hg19) VCF-style: chr19-3118942-A-G.
Other names: short protein forms Q209R.
Identifiers: ClinVar variation 1691369 (VCV001691369.2), dbSNP rs1057519742, ClinGen allele CA403310586.
Genomic context (GRCh38, chr19:3,118,944, plus strand): 5'-GGGCGCCAGGTGGCTGAGTCCTGGCGCTGTGTCCTTTCAGGATGGTGGATGTGGGGGGCC[A>G]GCGGTCGGAGCGGAGGAAGTGGATCCACTGCTTTGAGAACGTGACATCCATCATGTTTCT-3'
Protein context (NP_002058.2, residues 199-219): IIFRMVDVGG[Gln209Arg]RSERRKWIHC